The following is an entry in ClinVar:

NM_000059.4(BRCA2):c.3229GTT[1] (p.Val1078del)

Gene: BRCA2 (BRCA2 DNA repair associated; plus strand). Cytogenetic location: 13q13.1.
Variant type: Microsatellite.
Coding change: c.3229GTT[1] on transcript NM_000059.4 (MANE Select); one copy of the 3-base unit GTT starting at c.3229; the reference has two copies in a row; one copy, 3 bases deleted.
Protein change: p.Val1078del; deletes valine 1078.
Molecular consequence: inframe deletion.
Genome position (GRCh38, 1-based): chr13:32,337,587-32,337,589, GTT deleted; deleting any 3 consecutive bases within chr13:32,337,584-32,337,589 gives the same sequence; the position shown is the placement nearest the transcript's 3' end. VCF-style (leftmost placement, unchanged base first): chr13-32337583-AGTT-A. GRCh37 (hg19) VCF-style: chr13-32911720-AGTT-A.
Other names: c.3232_3234delGTT (NM_000059.3); short protein forms V1078del.
Identifiers: ClinVar variation 421821 (VCV000421821.18), dbSNP rs1064795381, ClinGen allele CA16619692.
Genomic context (GRCh38, chr13:32,337,583, plus strand): 5'-AAAGAAACTGAGCAAGCCTCAGTCAATTAATACTGTATCTGCACATTTACAGAGTAGTGT[AGTT>A]GTTTCTGATTGTAAAAATAGTCATATAACCCCTCAGATGTTATTTTCCAAGCAGGATTTT-3'

ClinVar aggregate classification (germline): Uncertain significance. Review status: criteria provided, multiple submitters, no conflicts (2 of 4 stars). 5 submissions from 5 submitters: Uncertain significance (5). Last evaluated 2025-12-17.

Conditions:
Hereditary breast ovarian cancer syndrome. Also called: BRCA1- and BRCA2-Associated Hereditary Breast and Ovarian Cancer; Hereditary breast and/or ovarian cancer syndrome; Hereditary breast and ovarian cancer syndrome; Hereditary breast and ovarian cancer; Hereditary breast and ovarian cancer syndrome (HBOC); Breast and ovarian cancer. Identifiers: Orphanet 145, MedGen C0677776, MeSH D061325, MONDO:0003582. Disease mechanism: loss of function.
Hereditary cancer-predisposing syndrome. Also called: Hereditary neoplastic syndrome; Neoplastic Syndromes, Hereditary; Tumor predisposition; Hereditary Cancer Syndrome. Identifiers: Orphanet 140162, MedGen C0027672, MeSH D009386, MONDO:0015356.

Submissions (5):

Labcorp Genetics (formerly Invitae), Labcorp
Classification: Uncertain significance for Hereditary breast ovarian cancer syndrome. Last evaluated: 2025-12-17. Review status: criteria provided, single submitter. Criteria: Invitae Variant Classification Sherloc (09022015). Collection method: clinical testing. Allele origin: germline.
Comment: This variant, c.3232_3234del, results in the deletion of 1 amino acid(s) of the BRCA2 protein (p.Val1078del), but otherwise preserves the integrity of the reading frame. This variant is not present in population databases (gnomAD no frequency). This variant has not been reported in the literature in individuals affected with BRCA2-related conditions. ClinVar contains an entry for this variant (Variation ID: 421821). RNA analysis performed to evaluate the impact of this variant on mRNA splicing indicates it does not significantly alter splicing (internal data). In summary, the available evidence is currently insufficient to determine the role of this variant in disease. Therefore, it has been classified as a Variant of Uncertain Significance.

Ambry Genetics
Classification: Uncertain significance for Hereditary cancer-predisposing syndrome. Last evaluated: 2025-05-06. Review status: criteria provided, single submitter. Criteria: Ambry Variant Classification Scheme 2023. Collection method: clinical testing. Allele origin: germline.
Comment: The c.3232_3234delGTT variant (also known as p.V1078del) is located in coding exon 10 of the BRCA2 gene. This variant results from an in-frame GTT deletion at nucleotide positions 3232 to 3234. This results in the in-frame deletion of a valine at codon 1078. This amino acid position is not well conserved in available vertebrate species. In addition, this alteration is predicted to be deleterious by in silico analysis (Choi Y et al. PLoS ONE. 2012; 7(10):e46688). Based on the available evidence, the clinical significance of this variant remains unclear.

Quest Diagnostics Nichols Institute San Juan Capistrano
Classification: Uncertain significance. Last evaluated: 2023-07-17. Review status: criteria provided, single submitter. Criteria: Quest Diagnostics criteria. Collection method: clinical testing. Allele origin: unknown.
Comment: In the published literature, this variant has been reported in an individual with breast cancer (Bashi, T., et al Turk J Biochem 2020; 45(1): 83-90, DOI 10.1515/tjb-2019-0424). This variant has not been reported in large, multi-ethnic general populations (Genome Aggregation Database). Based on the available information, we are unable to determine the clinical significance of this variant.

Color Diagnostics, LLC DBA Color Health
Classification: Uncertain significance for Hereditary cancer-predisposing syndrome. Last evaluated: 2020-01-14. Review status: criteria provided, single submitter. Criteria: ACMG Guidelines, 2015. Collection method: clinical testing. Allele origin: germline.
Comment: This variant causes the in-frame deletion of one amino acid, Valine 1078, in the BRCA2 protein. Splice site prediction tools suggest that this variant may not impact RNA splicing. To our knowledge, functional studies have not been performed for this variant. This variant has not been reported in individuals affected with hereditary cancer in the literature. This variant has not been identified in the general population by the Genome Aggregation Database (gnomAD). The available evidence is insufficient to determine the role of this variant in disease conclusively. Therefore, this variant is classified as a Variant of Uncertain Significance.

GeneDx
Classification: Uncertain significance. Last evaluated: 2016-07-28. Review status: criteria provided, single submitter. Criteria: GeneDx Variant Classification (06012015). Collection method: clinical testing. Allele origin: germline. Affected: yes.
Comment: This in-frame deletion of 3 nucleotides in BRCA2 is denoted c.3232_3234delGTT at the cDNA level and p.Val1078del (V1078del) at the protein level. The normal sequence, with the bases that are deleted in braces, is AGTT[GTT]TCTG. This deletion of a single Valine residue occurs at a position where amino acids with properties similar to Valine are tolerated across species and is located in the RAD51 binding domain (Roy 2012). This variant has not, to our knowledge, been published in the literature as pathogenic or benign. Since in-frame deletions may or may not inhibit proper protein functioning, the clinical significance of this finding remains unclear at this time and we consider BRCA2 Val1078del to be a variant of uncertain significance.